The following is an entry in ClinVar:

ClinVar aggregate classification (germline): Conflicting classifications of pathogenicity. Review status: criteria provided, conflicting classifications (1 of 4 stars). 2 submissions from 2 submitters: Uncertain significance (1); Likely benign (1). Last evaluated 2025-10-18.

Allele frequency attached by ClinVar (database versions not stated): TOPMed below 0.00001.
gnomAD v4.1: 26 of 1,367,552 alleles (0.0019%); highest among the groups gnomAD compares: Non-Finnish European, 0.0024%; no homozygotes.

Submissions (2):

Labcorp Genetics (formerly Invitae), Labcorp
Classification: Likely benign. Last evaluated: 2025-10-18. Review status: criteria provided, single submitter. Criteria: Invitae Variant Classification Sherloc (09022015). Collection method: clinical testing. Allele origin: germline.

GeneDx
Classification: Uncertain significance. Last evaluated: 2021-01-22. Review status: criteria provided, single submitter. Criteria: GeneDx Variant Classification Process June 2021. Collection method: clinical testing. Allele origin: germline. Affected: yes.
Comment: Not observed at a significant frequency in large population cohorts (Lek et al., 2016); In silico analysis supports that this missense variant does not alter protein structure/function; Has not been previously published as pathogenic or benign to our knowledge

NM_080680.3(COL11A2):c.1063C>T (p.Arg355Cys)

Gene: COL11A2 (collagen type XI alpha 2 chain; minus strand). Cytogenetic location: 6p21.32.
Variant type: single nucleotide variant.
Coding change: c.1063C>T on transcript NM_080680.3 (MANE Select); coding-DNA position 1063, C replaced by T.
Protein change: p.Arg355Cys; replaces arginine 355 with cysteine.
Molecular consequence: missense variant. On other transcripts: intron variant (2).
Genome position (GRCh38, 1-based): chr6:33,184,201, G>A on the plus strand (C>T on the coding strand, the complement: COL11A2 is on the minus strand). VCF-style: chr6-33184201-G-A. GRCh37 (hg19) VCF-style: chr6-33151978-G-A.
Other names: c.798+2426C>T (NM_080679.3); c.861+791C>T (NM_080681.3); short protein forms R355C.
Identifiers: ClinVar variation 1198465 (VCV001198465.10), dbSNP rs774410925, ClinGen allele CA3751487.